The following is an entry in ClinVar:

NM_002439.5(MSH3):c.2107_2110del (p.Phe703fs)

Gene: MSH3 (mutS homolog 3; plus strand). Cytogenetic location: 5q14.1.
Variant type: Deletion.
Coding change: c.2107_2110del on transcript NM_002439.5 (MANE Select); coding-DNA positions 2107 to 2110, 4 bases deleted (TTTA; older notation c.2107_2110delTTTA).
Protein change: p.Phe703fs; shifts the reading frame from phenylalanine 703.
Molecular consequence: frameshift variant.
Genome position (GRCh38, 1-based): chr5:80,768,857-80,768,860, TTTA deleted; deleting any 4 consecutive bases within chr5:80,768,854-80,768,860 gives the same sequence; the c. name uses the placement nearest the transcript's 3' end. VCF-style (leftmost placement, unchanged base first): chr5-80768853-ATTAT-A. GRCh37 (hg19) VCF-style: chr5-80064672-ATTAT-A.
Other names: c.2107_2110del (NM_002439.4); short protein forms F703fs.
Identifiers: ClinVar variation 643433 (VCV000643433.13), dbSNP rs1455445683, ClinGen allele CA360279231.

ClinVar aggregate classification (germline): Pathogenic. Review status: criteria provided, multiple submitters, no conflicts (2 of 4 stars). 3 submissions from 3 submitters: Pathogenic (3). Last evaluated 2024-09-11.

Conditions:
Familial adenomatous polyposis 4 (FAP4). Also called: MSH3-related attenuated familial adenomatous polyposis. Identifiers: Orphanet 480536, MedGen C4310719, MONDO:0044300, OMIM 617100.
Hereditary cancer-predisposing syndrome. Also called: Neoplastic Syndromes, Hereditary; Tumor predisposition; Hereditary neoplastic syndrome; Hereditary Cancer Syndrome. Identifiers: Orphanet 140162, MedGen C0027672, MeSH D009386, MONDO:0015356.

Submissions (3):

Ambry Genetics
Classification: Pathogenic for Hereditary cancer-predisposing syndrome. Last evaluated: 2024-09-11. Review status: criteria provided, single submitter. Criteria: Ambry Variant Classification Scheme 2023. Collection method: clinical testing. Allele origin: germline.
Comment: The c.2107_2110delTTTA pathogenic mutation, located in coding exon 15 of the MSH3 gene, results from a deletion of 4 nucleotides at nucleotide positions 2107 to 2110, causing a translational frameshift with a predicted alternate stop codon (p.F703Kfs*8). This variant is considered to be rare based on population cohorts in the Genome Aggregation Database (gnomAD). This alteration is expected to result in loss of function by premature protein truncation or nonsense-mediated mRNA decay. As such, this alteration is interpreted as a disease-causing mutation.

Labcorp Genetics (formerly Invitae), Labcorp
Classification: Pathogenic. Last evaluated: 2023-09-11. Review status: criteria provided, single submitter. Criteria: Invitae Variant Classification Sherloc (09022015). Collection method: clinical testing. Allele origin: germline.
Comment: This variant has not been reported in the literature in individuals affected with MSH3-related conditions. For these reasons, this variant has been classified as Pathogenic. ClinVar contains an entry for this variant (Variation ID: 643433). This variant is not present in population databases (gnomAD no frequency). This sequence change creates a premature translational stop signal (p.Phe703Lysfs*8) in the MSH3 gene. It is expected to result in an absent or disrupted protein product. Loss-of-function variants in MSH3 are known to be pathogenic (PMID: 27476653, 37402566).

Myriad Genetics, Inc.
Classification: Pathogenic for Familial adenomatous polyposis 4. Last evaluated: 2023-08-30. Review status: criteria provided, single submitter. Criteria: Myriad Autosomal Dominant, Autosomal Recessive and X-Linked Classification Criteria (2023). Collection method: clinical testing. Allele origin: unknown.
Comment: This variant is considered pathogenic. This variant creates a frameshift predicted to result in premature protein truncation.

Literature cited by the submitters: PubMed 27476653 (cited by Labcorp Genetics (formerly Invitae), Labcorp); PubMed 37402566 (cited by Labcorp Genetics (formerly Invitae), Labcorp).